The following is an entry in ClinVar:

ClinVar aggregate classification (germline): Uncertain significance (1 of 4 stars; one submission).

Conditions:
Hereditary cancer-predisposing syndrome. Also called: Tumor predisposition; Neoplastic Syndromes, Hereditary; Hereditary Cancer Syndrome; Hereditary neoplastic syndrome. Identifiers: Orphanet 140162, MedGen C0027672, MeSH D009386, MONDO:0015356.

gnomAD v4.1: 1 of 1,614,238 alleles (0.000062%); highest among the groups gnomAD compares: Admixed American, 0.0017%; no homozygotes.

Submission:

Ambry Genetics
Classification: Uncertain significance for Hereditary cancer-predisposing syndrome. Last evaluated: 2024-10-11. Review status: criteria provided, single submitter. Criteria: Ambry Variant Classification Scheme 2023. Collection method: clinical testing. Allele origin: germline.
Comment: The p.Q226R variant (also known as c.677A>G), located in coding exon 5 of the CTNNA1 gene, results from an A to G substitution at nucleotide position 677. The glutamine at codon 226 is replaced by arginine, an amino acid with highly similar properties. This amino acid position is conserved. In addition, this alteration is predicted to be tolerated by in silico analysis. Based on the available evidence, the clinical significance of this variant remains unclear.

NM_001903.5(CTNNA1):c.677A>G (p.Gln226Arg)

Gene: CTNNA1 (catenin alpha 1; plus strand). Cytogenetic location: 5q31.2.
Variant type: single nucleotide variant.
Coding change: c.677A>G on transcript NM_001903.5 (MANE Select); coding-DNA position 677, A replaced by G.
Protein change: p.Gln226Arg; replaces glutamine 226 with arginine.
Molecular consequence: missense variant.
Genome position (GRCh38, 1-based): chr5:138,824,618, A>G. VCF-style: chr5-138824618-A-G. GRCh37 (hg19) VCF-style: chr5-138160307-A-G.
Other names: c.677A>G, p.Gln226Arg (NM_001290307.3, NM_001323982.2, NM_001323983.1 and 3 more transcripts); c.368A>G, p.Gln123Arg (NM_001290309.3); c.308A>G, p.Gln103Arg (NM_001290310.3); short protein forms Q103R, Q226R, Q123R.
Identifiers: ClinVar variation 3498250 (VCV003498250.1).